The following is an entry in ClinVar:

NM_001735.3(C5):c.3231-8del

Gene: C5 (complement C5; minus strand). Cytogenetic location: 9q33.2.
Variant type: Deletion.
Coding change: c.3231-8del on transcript NM_001735.3 (MANE Select); 8 bases into the intron before coding-DNA position 3231, one base deleted (T; older notation c.3231-8delT).
Molecular consequence: intron variant.
Genome position (GRCh38, 1-based): chr9:120,982,822, A deleted on the plus strand (T on the coding strand, the reverse complement: C5 is on the minus strand). VCF-style (leftmost placement, unchanged base first): chr9-120982821-GA-G. GRCh37 (hg19) VCF-style: chr9-123745099-GA-G.
Other names: c.3249-8del (NM_001317163.2).
Identifiers: ClinVar variation 2046562 (VCV002046562.4), dbSNP rs2540394855, ClinGen allele CA2580079500.

ClinVar aggregate classification (germline): Uncertain significance (1 of 4 stars; one submission).

Allele frequency attached by ClinVar (database versions not stated): gnomAD exomes below 0.00001.

Submission:

Labcorp Genetics (formerly Invitae), Labcorp
Classification: Uncertain significance. Last evaluated: 2022-01-26. Review status: criteria provided, single submitter. Criteria: Invitae Variant Classification Sherloc (09022015). Collection method: clinical testing. Allele origin: germline.
Comment: In summary, the available evidence is currently insufficient to determine the role of this variant in disease. Therefore, it has been classified as a Variant of Uncertain Significance. Algorithms developed to predict the effect of sequence changes on RNA splicing suggest that this variant may disrupt the consensus splice site. This variant has not been reported in the literature in individuals affected with C5-related conditions. This variant is not present in population databases (gnomAD no frequency). This sequence change falls in intron 25 of the C5 gene. It does not directly change the encoded amino acid sequence of the C5 protein.